The following is an entry in ClinVar:

NM_000760.4(CSF3R):c.1959-4C>G

Gene: CSF3R (colony stimulating factor 3 receptor; minus strand). Cytogenetic location: 1p34.3.
Variant type: single nucleotide variant.
Coding change: c.1959-4C>G on transcript NM_000760.4 (MANE Select); 4 bases into the intron before coding-DNA position 1959, C replaced by G.
Molecular consequence: intron variant.
Genome position (GRCh38, 1-based): chr1:36,467,315, G>C on the plus strand (C>G on the coding strand, the complement: CSF3R is on the minus strand). VCF-style: chr1-36467315-G-C. GRCh37 (hg19) VCF-style: chr1-36932916-G-C.
Other names: c.1959-4C>G (NM_156039.3, NM_172313.3).
Identifiers: ClinVar variation 2056222 (VCV002056222.4), dbSNP rs781175282, ClinGen allele CA769010.

ClinVar aggregate classification (germline): Uncertain significance (1 of 4 stars; one submission).

Conditions:
Autosomal recessive severe congenital neutropenia due to CSF3R deficiency. Also called: Neutropenia, severe congenital, 7, autosomal recessive. Identifiers: Orphanet 420702, MedGen C4310764, MONDO:0014865, OMIM 617014.

Allele frequency attached by ClinVar (database versions not stated): TOPMed below 0.00001; ExAC 0.00001.
gnomAD v4.1: 1 of 1,614,138 alleles (0.000062%); highest among the groups gnomAD compares: Admixed American, 0.0017%; no homozygotes.

Submission:

Labcorp Genetics (formerly Invitae), Labcorp
Classification: Uncertain significance for Autosomal recessive severe congenital neutropenia due to CSF3R deficiency. Last evaluated: 2023-09-01. Review status: criteria provided, single submitter. Criteria: Invitae Variant Classification Sherloc (09022015). Collection method: clinical testing. Allele origin: germline.
Comment: ClinVar contains an entry for this variant (Variation ID: 2056222). This variant has not been reported in the literature in individuals affected with CSF3R-related conditions. This variant is present in population databases (rs781175282, gnomAD 0.003%). This sequence change falls in intron 15 of the CSF3R gene. It does not directly change the encoded amino acid sequence of the CSF3R protein. Algorithms developed to predict the effect of sequence changes on RNA splicing suggest that this variant may disrupt the consensus splice site. In summary, the available evidence is currently insufficient to determine the role of this variant in disease. Therefore, it has been classified as a Variant of Uncertain Significance.